The following is an entry in ClinVar:

ClinVar aggregate classification (germline): Uncertain significance. Review status: criteria provided, multiple submitters, no conflicts (2 of 4 stars). 2 submissions from 2 submitters: Uncertain significance (2). Last evaluated 2022-06-12.

Conditions:
Cardiovascular phenotype. Identifiers: MedGen CN230736.

Allele frequency attached by ClinVar (database versions not stated): ExAC 0.00006.
gnomAD v4.1: 38 of 1,548,576 alleles (0.0025%); highest among the groups gnomAD compares: Middle Eastern, 0.05%; no homozygotes.

Submissions (2):

Ambry Genetics
Classification: Uncertain significance for Cardiovascular phenotype. Last evaluated: 2022-06-12. Review status: criteria provided, single submitter. Criteria: Ambry Variant Classification Scheme 2023. Collection method: clinical testing. Allele origin: germline.
Comment: The p.V1602I variant (also known as c.4804G>A), located in coding exon 2 of the ZNF469 gene, results from a G to A substitution at nucleotide position 4804. The valine at codon 1602 is replaced by isoleucine, an amino acid with highly similar properties. This amino acid position is conserved. In addition, this alteration is predicted to be tolerated by in silico analysis. Since supporting evidence is limited at this time, the clinical significance of this alteration remains unclear.

Labcorp Genetics (formerly Invitae), Labcorp
Classification: Uncertain significance. Last evaluated: 2022-04-18. Review status: criteria provided, single submitter. Criteria: Invitae Variant Classification Sherloc (09022015). Collection method: clinical testing. Allele origin: germline.
Comment: This sequence change replaces valine, which is neutral and non-polar, with isoleucine, which is neutral and non-polar, at codon 1602 of the ZNF469 protein (p.Val1602Ile). The frequency data for this variant in the population databases is considered unreliable, as metrics indicate poor data quality at this position in the gnomAD database. This variant has not been reported in the literature in individuals affected with ZNF469-related conditions. Algorithms developed to predict the effect of missense changes on protein structure and function (SIFT, PolyPhen-2, Align-GVGD) all suggest that this variant is likely to be tolerated. In summary, the available evidence is currently insufficient to determine the role of this variant in disease. Therefore, it has been classified as a Variant of Uncertain Significance.

NM_001367624.2(ZNF469):c.4888G>A (p.Val1630Ile)

Gene: ZNF469 (zinc finger protein 469; plus strand). Cytogenetic location: 16q24.2.
Variant type: single nucleotide variant.
Coding change: c.4888G>A on transcript NM_001367624.2 (MANE Select); coding-DNA position 4888, G replaced by A.
Protein change: p.Val1630Ile; replaces valine 1630 with isoleucine.
Molecular consequence: missense variant.
Genome position (GRCh38, 1-based): chr16:88,432,358, G>A. VCF-style: chr16-88432358-G-A. GRCh37 (hg19) VCF-style: chr16-88498766-G-A.
Other names: NM_001127464.1:c.4804G>A; short protein forms V1630I.
Identifiers: ClinVar variation 1743219 (VCV001743219.4), dbSNP rs749642726, ClinGen allele CA8225021.